The following is an entry in ClinVar:

ClinVar aggregate classification (germline): Uncertain significance (1 of 4 stars; one submission).

Submission:

Labcorp Genetics (formerly Invitae), Labcorp
Classification: Uncertain significance. Last evaluated: 2026-02-01. Review status: criteria provided, single submitter. Criteria: Invitae Variant Classification Sherloc (09022015). Collection method: clinical testing. Allele origin: germline.
Comment: This sequence change replaces tryptophan, which is neutral and slightly polar, with cysteine, which is neutral and slightly polar, at codon 275 of the SIAE protein (p.Trp275Cys). This variant is not present in population databases (gnomAD no frequency). This variant has not been reported in the literature in individuals affected with SIAE-related conditions. An algorithm developed to predict the effect of missense changes on protein structure and function (PolyPhen-2) suggests that this variant is likely to be disruptive. In summary, the available evidence is currently insufficient to determine the role of this variant in disease. Therefore, it has been classified as a Variant of Uncertain Significance.

NM_170601.5(SIAE):c.825G>T (p.Trp275Cys)

Gene: SIAE (sialic acid acetylesterase; minus strand). Cytogenetic location: 11q24.2.
Variant type: single nucleotide variant.
Coding change: c.825G>T on transcript NM_170601.5 (MANE Select); coding-DNA position 825, G replaced by T.
Protein change: p.Trp275Cys; replaces tryptophan 275 with cysteine.
Molecular consequence: missense variant.
Genome position (GRCh38, 1-based): chr11:124,648,073, C>A on the plus strand (G>T on the coding strand, the complement: SIAE is on the minus strand). VCF-style: chr11-124648073-C-A. GRCh37 (hg19) VCF-style: chr11-124517969-C-A.
Other names: c.720G>T, p.Trp240Cys (NM_001199922.2); short protein forms W240C, W275C.
Identifiers: ClinVar variation 4770614 (VCV004770614.1).